The following is an entry in ClinVar:

NM_000218.3(KCNQ1):c.755G>A (p.Gly252Asp)

Gene: KCNQ1 (potassium voltage-gated channel subfamily Q member 1; plus strand). Cytogenetic location: 11p15.5.
Variant type: single nucleotide variant.
Coding change: c.755G>A on transcript NM_000218.3 (MANE Select); coding-DNA position 755, G replaced by A.
Protein change: p.Gly252Asp; replaces glycine 252 with aspartic acid.
Molecular consequence: missense variant. On other transcripts: intron variant (1).
Genome position (GRCh38, 1-based): chr11:2,572,084, G>A. VCF-style: chr11-2572084-G-A. GRCh37 (hg19) VCF-style: chr11-2593314-G-A.
Other names: p.Gly252Asp; c.755G>A, p.Gly252Asp (NM_001406836.1); c.485G>A, p.Gly162Asp (NM_001406837.1); c.374G>A, p.Gly125Asp (NM_181798.2); c.478-11351G>A (NM_001406838.1); short protein forms G162D, G125D, G252D.
Identifiers: ClinVar variation 4541603 (VCV004541603.1).
Genomic context (GRCh38, chr11:2,572,084, plus strand): 5'-TCCTGCAGATCCTGAGGATGCTACACGTCGACCGCCAGGGAGGCACCTGGAGGCTCCTGG[G>A]CTCCGTGGTCTTCATCCACCGCCAGGTGGGTGGCCCGGGTTAGGGGTGCGGGGCCCAGGT-3'
Protein context (NP_000209.2, residues 242-262): DRQGGTWRLL[Gly252Asp]SVVFIHRQEL

ClinVar aggregate classification (germline): Uncertain significance (1 of 4 stars; one submission).

Submission:

Mayo Clinic Laboratories, Mayo Clinic
Classification: Uncertain significance. Last evaluated: 2025-01-09. Review status: criteria provided, single submitter. Criteria: ACMG Guidelines, 2015. Collection method: clinical testing. Allele origin: germline. Observed: 1 variant allele.
Comment: PP3, PM2_supporting

Literature cited by the submitters: PubMed 23973953; PubMed 34505893.